The following is an entry in ClinVar:

NM_000942.5(PPIB):c.426C>A (p.Asn142Lys)

Genes: PPIB (peptidylprolyl isomerase B; minus strand), SNX22 (sorting nexin 22; plus strand). Cytogenetic location: 15q22.31.
Variant type: single nucleotide variant.
Coding change: c.426C>A on transcript NM_000942.5 (MANE Select); coding-DNA position 426, C replaced by A.
Protein change: p.Asn142Lys; replaces asparagine 142 with lysine.
Molecular consequence: missense variant. On other transcripts: 3 prime UTR variant (1), non-coding transcript variant (1).
Genome position (GRCh38, 1-based): chr15:64,156,827, G>T on the plus strand (C>A on the coding strand, the complement: PPIB is on the minus strand). VCF-style: chr15-64156827-G-T. GRCh37 (hg19) VCF-style: chr15-64449026-G-T.
Other names: c.*2319G>T (NM_024798.3); short protein forms N142K.
Identifiers: ClinVar variation 3346349 (VCV003346349.1).

ClinVar aggregate classification (germline): Uncertain significance (0 of 4 stars; one submission).

Conditions:
PPIB-related disorder. Also called: PPIB-related condition.

gnomAD v4.1: 1 of 1,614,196 alleles (0.000062%); highest among the groups gnomAD compares: South Asian, 0.0011%; no homozygotes.

Submission:

PreventionGenetics, part of Exact Sciences
Classification: Uncertain significance for PPIB-related condition. Last evaluated: 2024-05-25. Review status: no assertion criteria provided. Collection method: clinical testing. Allele origin: germline.
Comment: The PPIB c.426C>A variant is predicted to result in the amino acid substitution p.Asn142Lys. To our knowledge, this variant has not been reported in the literature or in a large population database, indicating this variant is rare. At this time, the clinical significance of this variant is uncertain due to the absence of conclusive functional and genetic evidence.